The following is an entry in ClinVar:

ClinVar aggregate classification (germline): Uncertain significance (1 of 4 stars; one submission).

Allele frequency attached by ClinVar (database versions not stated): ExAC 0.00001; gnomAD exomes 0.00001; gnomAD 0.00002; TOPMed 0.00002.
gnomAD v4.1: 13 of 1,613,936 alleles (0.00081%); highest among the groups gnomAD compares: African/African-American, 0.0053%; no homozygotes.

Submission:

Labcorp Genetics (formerly Invitae), Labcorp
Classification: Uncertain significance. Last evaluated: 2022-04-09. Review status: criteria provided, single submitter. Criteria: Invitae Variant Classification Sherloc (09022015). Collection method: clinical testing. Allele origin: germline.
Comment: In summary, the available evidence is currently insufficient to determine the role of this variant in disease. Therefore, it has been classified as a Variant of Uncertain Significance. Algorithms developed to predict the effect of missense changes on protein structure and function output the following: SIFT: "Tolerated"; PolyPhen-2: "Benign"; Align-GVGD: "Class C0". The valine amino acid residue is found in multiple mammalian species, which suggests that this missense change does not adversely affect protein function. This variant has not been reported in the literature in individuals affected with MCM3AP-related conditions. This variant is present in population databases (rs746510079, gnomAD 0.008%). This sequence change replaces alanine, which is neutral and non-polar, with valine, which is neutral and non-polar, at codon 1054 of the MCM3AP protein (p.Ala1054Val).

NM_003906.5(MCM3AP):c.3161C>T (p.Ala1054Val)

Gene: MCM3AP (minichromosome maintenance complex component 3 associated protein; minus strand). Cytogenetic location: 21q22.3.
Variant type: single nucleotide variant.
Coding change: c.3161C>T on transcript NM_003906.5 (MANE Select); coding-DNA position 3161, C replaced by T.
Protein change: p.Ala1054Val; replaces alanine 1054 with valine.
Molecular consequence: missense variant.
Genome position (GRCh38, 1-based): chr21:46,265,394, G>A on the plus strand (C>T on the coding strand, the complement: MCM3AP is on the minus strand). VCF-style: chr21-46265394-G-A. GRCh37 (hg19) VCF-style: chr21-47685308-G-A.
Other names: short protein forms A1054V.
Identifiers: ClinVar variation 2192951 (VCV002192951.3), dbSNP rs746510079, ClinGen allele CA10076606.